The following is an entry in ClinVar:

ClinVar aggregate classification (germline): Uncertain significance (1 of 4 stars; one submission).

Allele frequency attached by ClinVar (database versions not stated): ExAC 0.00007; gnomAD 0.00008; TOPMed 0.00010; gnomAD exomes 0.00018; ESP Exome Variant Server 0.00031.
gnomAD v4.1: 263 of 1,595,798 alleles (0.016%); highest among the groups gnomAD compares: Non-Finnish European, 0.022%; no homozygotes.

Submission:

Women's Health and Genetics/Laboratory Corporation of America, LabCorp
Classification: Uncertain significance. Last evaluated: 2023-11-07. Review status: criteria provided, single submitter. Criteria: LabCorp Variant Classification Summary - May 2015. Collection method: clinical testing. Allele origin: germline.
Comment: Variant summary: KYNU c.735T>G (p.Cys245Trp) results in a non-conservative amino acid change located in the Aminotransferase class V domain (IPR000192) of the encoded protein sequence. Five of five in-silico tools predict a damaging effect of the variant on protein function. The variant allele was found at a frequency of 6.8e-05 in 250946 control chromosomes (gnomAD). This frequency is not significantly higher than estimated for a pathogenic variant in KYNU causing Vertebral, Cardiac, Renal, And Limb Defects Syndrome 2 (6.8e-05 vs ND), allowing no conclusion about variant significance. To our knowledge, no occurrence of c.735T>G in individuals affected with Vertebral, Cardiac, Renal, And Limb Defects Syndrome 2 and no experimental evidence demonstrating its impact on protein function have been reported. No submitters have cited clinical-significance assessments for this variant to ClinVar after 2014. Based on the evidence outlined above, the variant was classified as uncertain significance.

Literature cited by the submitters: PubMed 35568032.

NM_003937.3(KYNU):c.735T>G (p.Cys245Trp)

Gene: KYNU (kynureninase; plus strand). Cytogenetic location: 2q22.2.
Variant type: single nucleotide variant.
Coding change: c.735T>G on transcript NM_003937.3 (MANE Select); coding-DNA position 735, T replaced by G.
Protein change: p.Cys245Trp; replaces cysteine 245 with tryptophan.
Molecular consequence: missense variant.
Genome position (GRCh38, 1-based): chr2:142,985,089, T>G. VCF-style: chr2-142985089-T-G. GRCh37 (hg19) VCF-style: chr2-143742658-T-G.
Other names: c.735T>G, p.Cys245Trp (NM_001032998.2, NM_001199241.2); short protein forms C245W.
Identifiers: ClinVar variation 2682370 (VCV002682370.1), dbSNP rs137982021, ClinGen allele CA1896826.